The following is an entry in ClinVar:

NM_006231.4(POLE):c.6797G>T (p.Gly2266Val)

Gene: POLE (DNA polymerase epsilon, catalytic subunit; minus strand). Cytogenetic location: 12q24.33.
Variant type: single nucleotide variant.
Coding change: c.6797G>T on transcript NM_006231.4 (MANE Select); coding-DNA position 6797, G replaced by T.
Protein change: p.Gly2266Val; replaces glycine 2266 with valine.
Molecular consequence: missense variant.
Genome position (GRCh38, 1-based): chr12:132,624,761, C>A on the plus strand (G>T on the coding strand, the complement: POLE is on the minus strand). VCF-style: chr12-132624761-C-A. GRCh37 (hg19) VCF-style: chr12-133201347-C-A.
Other names: short protein forms G2266V.
Identifiers: ClinVar variation 3308366 (VCV003308366.1).

ClinVar aggregate classification (germline): Uncertain significance (1 of 4 stars; one submission).

Conditions:
Hereditary cancer-predisposing syndrome. Also called: Tumor predisposition; Hereditary Cancer Syndrome; Hereditary neoplastic syndrome; Neoplastic Syndromes, Hereditary. Identifiers: Orphanet 140162, MedGen C0027672, MeSH D009386, MONDO:0015356.

Submission:

Ambry Genetics
Classification: Uncertain significance for Hereditary cancer-predisposing syndrome. Last evaluated: 2024-03-30. Review status: criteria provided, single submitter. Criteria: Ambry Variant Classification Scheme 2023. Collection method: clinical testing. Allele origin: germline.
Comment: The p.G2266V variant (also known as c.6797G>T), located in coding exon 49 of the POLE gene, results from a G to T substitution at nucleotide position 6797. The glycine at codon 2266 is replaced by valine, an amino acid with dissimilar properties. This amino acid position is conserved. In addition, this alteration is predicted to be tolerated by in silico analysis. Based on the available evidence, the clinical significance of this alteration remains unclear.